The following is an entry in ClinVar:

NM_015205.3(ATP11A):c.3009G>A (p.Thr1003=)

Gene: ATP11A (ATPase phospholipid transporting 11A; plus strand). Cytogenetic location: 13q34.
Variant type: single nucleotide variant.
Coding change: c.3009G>A on transcript NM_015205.3 (MANE Select); coding-DNA position 3009, G replaced by A.
Protein change: p.Thr1003=; no amino-acid change (threonine 1003 retained).
Molecular consequence: synonymous variant.
Genome position (GRCh38, 1-based): chr13:112,871,752, G>A. VCF-style: chr13-112871752-G-A. GRCh37 (hg19) VCF-style: chr13-113526066-G-A.
Other names: c.3009G>A, p.Thr1003= (NM_032189.4).
Identifiers: ClinVar variation 782134 (VCV000782134.29), dbSNP rs113642918, ClinGen allele CA7057409.

ClinVar aggregate classification (germline): Benign. Review status: criteria provided, multiple submitters, no conflicts (2 of 4 stars). 3 submissions from 3 submitters: Benign (3). Last evaluated 2026-08-01.

Allele frequency attached by ClinVar (database versions not stated): 1000 Genomes Project 30x 0.00484; 1000 Genomes Project 0.00519; gnomAD 0.00805 and 0.00836; ExAC 0.00881; gnomAD exomes 0.00889; ESP Exome Variant Server 0.00923; TOPMed 0.00967.
gnomAD v4.1: 16,887 of 1,614,076 alleles (1%); highest among the groups gnomAD compares: Non-Finnish European, 1.2%; 94 homozygotes.

Submissions (3):

CeGaT Center for Human Genetics Tuebingen
Classification: Benign. Last evaluated: 2026-08-01. Review status: criteria provided, single submitter. Criteria: CeGaT Center For Human Genetics Tuebingen Variant Classification Criteria Version 2. Collection method: clinical testing. Allele origin: germline. Affected: yes. Observed: 17 variant alleles.
Comment: ATP11A: BP4, BP7, BS1, BS2

Labcorp Genetics (formerly Invitae), Labcorp
Classification: Benign. Last evaluated: 2019-12-31. Review status: criteria provided, single submitter. Criteria: Invitae Variant Classification Sherloc (09022015). Collection method: clinical testing. Allele origin: germline.

Breakthrough Genomics
Classification: Benign. Review status: criteria provided, single submitter. Criteria: ACMG Guidelines, 2015. Collection method: not provided. Allele origin: germline. Inheritance: Autosomal dominant inheritance. Affected: yes.